The following is an entry in ClinVar:

ClinVar aggregate classification (germline): Uncertain significance. Review status: criteria provided, multiple submitters, no conflicts (2 of 4 stars). 2 submissions from 2 submitters: Uncertain significance (2). Last evaluated 2024-12-03.

Allele frequency attached by ClinVar (database versions not stated): TOPMed 0.00015; gnomAD exomes 0.00001; ExAC 0.00002; ESP Exome Variant Server 0.00008; gnomAD 0.00011.

Submissions (2):

Ambry Genetics
Classification: Uncertain significance. Last evaluated: 2024-12-03. Review status: criteria provided, single submitter. Criteria: Ambry Variant Classification Scheme 2023. Collection method: clinical testing. Allele origin: germline.

Labcorp Genetics (formerly Invitae), Labcorp
Classification: Uncertain significance. Last evaluated: 2022-02-19. Review status: criteria provided, single submitter. Criteria: Invitae Variant Classification Sherloc (09022015). Collection method: clinical testing. Allele origin: germline.
Comment: In summary, the available evidence is currently insufficient to determine the role of this variant in disease. Therefore, it has been classified as a Variant of Uncertain Significance. Algorithms developed to predict the effect of missense changes on protein structure and function are either unavailable or do not agree on the potential impact of this missense change (SIFT: "Deleterious"; PolyPhen-2: "Probably Damaging"; Align-GVGD: "Class C0"). This variant has not been reported in the literature in individuals affected with ZHX3-related conditions. This variant is present in population databases (rs370315026, gnomAD 0.04%). This sequence change replaces glycine, which is neutral and non-polar, with valine, which is neutral and non-polar, at codon 416 of the ZHX3 protein (p.Gly416Val).

NM_001384317.1(ZHX3):c.1247G>T (p.Gly416Val)

Gene: ZHX3 (zinc fingers and homeoboxes 3; minus strand). Cytogenetic location: 20q12.
Variant type: single nucleotide variant.
Coding change: c.1247G>T on transcript NM_001384317.1 (MANE Select); coding-DNA position 1247, G replaced by T.
Protein change: p.Gly416Val; replaces glycine 416 with valine.
Molecular consequence: missense variant.
Genome position (GRCh38, 1-based): chr20:41,203,670, C>A on the plus strand (G>T on the coding strand, the complement: ZHX3 is on the minus strand). VCF-style: chr20-41203670-C-A. GRCh37 (hg19) VCF-style: chr20-39832310-C-A.
Other names: c.1247G>T, p.Gly416Val (NM_001384315.1, NM_001384316.1, NM_001384318.1 and 8 more transcripts); c.1247G>T (NM_015035.3); short protein forms G416V.
Identifiers: ClinVar variation 2067061 (VCV002067061.5), dbSNP rs370315026, ClinGen allele CA9859985.